The following is an entry in ClinVar:

ClinVar aggregate classification (germline): Uncertain significance (1 of 4 stars; one submission).

Conditions:
F5-related disorder. Also called: F5-related condition.

gnomAD v4.1: 3 of 1,613,934 alleles (0.00019%); highest among the groups gnomAD compares: Non-Finnish European, 0.00025%; no homozygotes.

Submission:

PreventionGenetics, part of Exact Sciences
Classification: Uncertain significance for F5-related condition. Last evaluated: 2026-07-09. Review status: criteria provided, single submitter. Criteria: ACMG Guidelines, 2015. Collection method: clinical testing. Allele origin: germline.
Comment: The F5 c.4515G>C variant is predicted to result in the amino acid substitution p.Lys1505Asn. To our knowledge, this variant has not been reported in the literature or in a large population database (gnomAD), indicating this variant is rare. At this time, the clinical significance of this variant is uncertain due to the absence of conclusive functional and genetic evidence.

NM_000130.5(F5):c.4515G>C (p.Lys1505Asn)

Gene: F5 (coagulation factor V; minus strand). Cytogenetic location: 1q24.2.
Variant type: single nucleotide variant.
Coding change: c.4515G>C on transcript NM_000130.5 (MANE Select); coding-DNA position 4515, G replaced by C.
Protein change: p.Lys1505Asn; replaces lysine 1505 with asparagine.
Molecular consequence: missense variant.
Genome position (GRCh38, 1-based): chr1:169,540,575, C>G on the plus strand (G>C on the coding strand, the complement: F5 is on the minus strand). VCF-style: chr1-169540575-C-G. GRCh37 (hg19) VCF-style: chr1-169509813-C-G.
Other names: short protein forms K1505N.
Identifiers: ClinVar variation 4995103 (VCV004995103.1).